The following is an entry in ClinVar:

ClinVar aggregate classification (germline): Benign/Likely benign. Review status: criteria provided, multiple submitters, no conflicts (2 of 4 stars). 13 submissions from 12 submitters: Benign (7); Likely benign (5). 1 of the submissions does not count toward it. Last evaluated 2026-10-01.

Conditions:
TINF2-related disorder. Also called: TINF2-related condition.
Dyskeratosis congenita, autosomal dominant 1 (DKCA1). Also called: Dyskeratosis congenita Scoggins type. Identifiers: Orphanet 1775, MedGen C4551974, MONDO:0007485, OMIM 127550. Inheritance: Variable.
Dyskeratosis congenita, autosomal dominant 3. Identifiers: MedGen C3151445, MONDO:0013522, OMIM 613990.
Revesz syndrome. Also called: EXUDATIVE RETINOPATHY WITH BONE MARROW FAILURE; DYSKERATOSIS CONGENITA, AUTOSOMAL DOMINANT 5. Identifiers: Orphanet 3088, MedGen C1327916, MONDO:0009990, OMIM 268130.
Dyskeratosis congenita. Identifiers: Orphanet 1775, MedGen C0265965, MONDO:0015780.

Allele frequency attached by ClinVar (database versions not stated): TOPMed 0.00325; gnomAD 0.00329 and 0.00358; gnomAD exomes 0.00470; ExAC 0.00502; ESP Exome Variant Server 0.00515; 1000 Genomes Project 0.00519; 1000 Genomes Project 30x 0.00547.

Submissions (13):

CeGaT Center for Human Genetics Tuebingen
Classification: Benign. Last evaluated: 2026-10-01. Review status: criteria provided, single submitter. Criteria: CeGaT Center For Human Genetics Tuebingen Variant Classification Criteria Version 2. Collection method: clinical testing. Allele origin: germline. Affected: yes. Observed: 13 variant alleles.
Comment: TINF2: BP4, BP7, BS1, BS2

Labcorp Genetics (formerly Invitae), Labcorp
Classification: Benign for Dyskeratosis congenita. Last evaluated: 2026-02-04. Review status: criteria provided, single submitter. Criteria: Invitae Variant Classification Sherloc (09022015). Collection method: clinical testing. Allele origin: germline.

Center for Genomic Medicine, Rigshospitalet, Copenhagen University Hospital
Classification: Benign. Last evaluated: 2025-03-04. Review status: criteria provided, single submitter. Criteria: ACMG Guidelines, 2015. Collection method: clinical testing. Allele origin: germline.

Blueprint Genetics
Classification: Likely benign. Last evaluated: 2024-11-25. Review status: criteria provided, single submitter. Criteria: ACMG Guidelines, 2015. Collection method: clinical testing. Allele origin: germline.

Ambry Genetics
Classification: Likely benign for Dyskeratosis congenita. Last evaluated: 2024-10-02. Review status: criteria provided, single submitter. Criteria: Ambry Variant Classification Scheme 2023. Collection method: clinical testing. Allele origin: germline.

ARUP Laboratories, Molecular Genetics and Genomics, ARUP Laboratories
Classification: Benign. Last evaluated: 2024-06-12. Review status: criteria provided, single submitter. Criteria: ARUP Molecular Germline Variant Investigation Process 2024. Collection method: clinical testing. Allele origin: germline.

Fulgent Genetics
Classification: Likely benign for Dyskeratosis congenita, autosomal dominant 1; Revesz syndrome; Dyskeratosis congenita, autosomal dominant 3. Last evaluated: 2022-05-19. Review status: criteria provided, single submitter. Criteria: ACMG Guidelines, 2015. Collection method: clinical testing. Allele origin: unknown.

GeneDx
Classification: Likely benign. Last evaluated: 2021-05-07. Review status: criteria provided, single submitter. Criteria: GeneDx Variant Classification Process June 2021. Collection method: clinical testing. Allele origin: germline. Affected: yes.

Mayo Clinic Laboratories, Mayo Clinic
Classification: Benign. Last evaluated: 2019-12-19. Review status: criteria provided, single submitter. Criteria: ACMG Guidelines, 2015. Collection method: clinical testing. Allele origin: germline. Observed: 9 variant alleles.

Illumina Laboratory Services, Illumina
Classification: Benign for Dyskeratosis congenita, autosomal dominant 3. Last evaluated: 2018-01-13. Review status: criteria provided, single submitter. Criteria: ICSL Variant Classification Criteria 13 December 2019. Collection method: clinical testing. Allele origin: germline.
Comment: This variant was observed in the ICSL laboratory as part of a predisposition screen in an ostensibly healthy population. It had not been previously curated by ICSL or reported in the Human Gene Mutation Database (HGMD: prior to June 1st, 2018), and was therefore a candidate for classification through an automated scoring system. Utilizing variant allele frequency, disease prevalence and penetrance estimates, and inheritance mode, an automated score was calculated to assess if this variant is too frequent to cause the disease. Based on the score and internal cut-off values, a variant classified as benign is not then subjected to further curation. The score for this variant resulted in a classification of benign for this disease.

Illumina Laboratory Services, Illumina
Classification: Benign for Revesz syndrome. Last evaluated: 2018-01-13. Review status: criteria provided, single submitter. Criteria: ICSL Variant Classification Criteria 13 December 2019. Collection method: clinical testing. Allele origin: germline.
Comment: the same text as in the submission from Illumina Laboratory Services, Illumina above.

Breakthrough Genomics
Classification: Likely benign. Review status: criteria provided, single submitter. Criteria: ACMG Guidelines, 2015. Collection method: not provided. Allele origin: germline. Inheritance: Autosomal dominant inheritance. Affected: yes.

PreventionGenetics, part of Exact Sciences
Classification: Benign for TINF2-related condition. Last evaluated: 2019-04-29. Review status: no assertion criteria provided. Collection method: clinical testing. Allele origin: germline. Not counted in ClinVar's aggregate classification.
Comment: This variant is classified as benign based on ACMG/AMP sequence variant interpretation guidelines (Richards et al. 2015 PMID: 25741868, with internal and published modifications).

NM_001099274.3(TINF2):c.1236C>T (p.Asn412=)

Gene: TINF2 (TERF1 interacting nuclear factor 2; minus strand). Cytogenetic location: 14q12.
Variant type: single nucleotide variant.
Coding change: c.1236C>T on transcript NM_001099274.3 (MANE Select); coding-DNA position 1236, C replaced by T.
Protein change: p.Asn412=; no amino-acid change (asparagine 412 retained).
Molecular consequence: synonymous variant. On other transcripts: 3 prime UTR variant (1).
Genome position (GRCh38, 1-based): chr14:24,239,917, G>A on the plus strand (C>T on the coding strand, the complement: TINF2 is on the minus strand). VCF-style: chr14-24239917-G-A. GRCh37 (hg19) VCF-style: chr14-24709123-G-A.
Other names: p.Asn412=; c.1131C>T, p.Asn377= (NM_001363668.2); c.*498C>T (NM_012461.3).
Identifiers: ClinVar variation 238288 (VCV000238288.51), dbSNP rs117234138, ClinGen allele CA7130433.